The following is an entry in ClinVar:

NM_001715.3(BLK):c.*348C>G

Gene: BLK (BLK proto-oncogene, Src family tyrosine kinase). Cytogenetic location: 8p23.1.
Variant type: single nucleotide variant.
Coding change: c.*348C>G on transcript NM_001715.3 (MANE Select); 348 bases downstream of the stop codon, C replaced by G.
Molecular consequence: 3 prime UTR variant.
Genome position (GRCh38, 1-based): chr8:11,564,456, C>G. VCF-style: chr8-11564456-C-G. GRCh37 (hg19) VCF-style: chr8-11421965-C-G.
Other names: c.*348C>G (NM_001330465.2).
Identifiers: ClinVar variation 361504 (VCV000361504.6), dbSNP rs564964151, ClinGen allele CA4630560.

ClinVar aggregate classification (germline): Benign/Likely benign. Review status: criteria provided, multiple submitters, no conflicts (2 of 4 stars). 2 submissions from 2 submitters: Benign (1); Likely benign (1). Last evaluated 2021-08-30.

Conditions:
Maturity-onset diabetes of the young type 11. Identifiers: Orphanet 552, MedGen C3150618, MONDO:0013242, OMIM 613375.

Allele frequency attached by ClinVar (database versions not stated): gnomAD 0.00006 and 0.00079; TOPMed 0.00013; gnomAD exomes 0.00387; 1000 Genomes Project 30x 0.00515; 1000 Genomes Project 0.00559; ExAC 0.01583.
gnomAD v4.1: 1,529 of 553,140 alleles (0.28%); highest among the groups gnomAD compares: South Asian, 2.2%; 33 homozygotes.

Submissions (2):

GeneDx
Classification: Likely benign. Last evaluated: 2021-08-30. Review status: criteria provided, single submitter. Criteria: GeneDx Variant Classification Process June 2021. Collection method: clinical testing. Allele origin: germline. Affected: yes.
Comment: See Variant Classification Assertion Criteria.

Illumina Laboratory Services, Illumina
Classification: Benign for Maturity-onset diabetes of the young type 11. Last evaluated: 2018-01-13. Review status: criteria provided, single submitter. Criteria: ICSL Variant Classification Criteria 13 December 2019. Collection method: clinical testing. Allele origin: germline.
Comment: This variant was observed in the ICSL laboratory as part of a predisposition screen in an ostensibly healthy population. It had not been previously curated by ICSL or reported in the Human Gene Mutation Database (HGMD: prior to June 1st, 2018), and was therefore a candidate for classification through an automated scoring system. Utilizing variant allele frequency, disease prevalence and penetrance estimates, and inheritance mode, an automated score was calculated to assess if this variant is too frequent to cause the disease. Based on the score and internal cut-off values, a variant classified as benign is not then subjected to further curation. The score for this variant resulted in a classification of benign for this disease.